The following is an entry in ClinVar:

NM_000161.3(GCH1):c.737C>T (p.Thr246Ile)

Gene: GCH1 (GTP cyclohydrolase 1; minus strand). Cytogenetic location: 14q22.2.
Variant type: single nucleotide variant.
Coding change: c.737C>T on transcript NM_000161.3 (MANE Select); coding-DNA position 737, C replaced by T.
Protein change: p.Thr246Ile; replaces threonine 246 with isoleucine.
Molecular consequence: missense variant. On other transcripts: intron variant (2).
Genome position (GRCh38, 1-based): chr14:54,844,033, G>A on the plus strand (C>T on the coding strand, the complement: GCH1 is on the minus strand). VCF-style: chr14-54844033-G-A. GRCh37 (hg19) VCF-style: chr14-55310751-G-A.
Other names: c.737C>T, p.Thr246Ile (NM_001024024.2); c.627-979C>T (NM_001024071.2); c.627-164C>T (NM_001024070.2); c.737C>T (NM_000161.2); short protein forms T246I.
Identifiers: ClinVar variation 1392022 (VCV001392022.5), dbSNP rs989328098, ClinGen allele CA260543003.
Genomic context (GRCh38, chr14:54,844,033, plus strand): 5'-CTGGCAGTACGATCGGCAACCAACGCACACACACTGAATGAAGCTCAGCTCCTAATGAGA[G>A]TCAGGAACTCTTCCCGAGTCTTTGGATCCTCCCGGAACACACCCAACATTGTGCTGGTCA-3'
Protein context (NP_000152.1, residues 236-250): EDPKTREEFL[Thr246Ile]LIRS

ClinVar aggregate classification (germline): Uncertain significance. Review status: criteria provided, multiple submitters, no conflicts (2 of 4 stars). 2 submissions from 2 submitters: Uncertain significance (2). Last evaluated 2025-10-10.

Conditions:
Dystonia 5 (DRD). Also called: DYSTONIA, PROGRESSIVE, WITH DIURNAL VARIATION; DYSTONIA-PARKINSONISM WITH DIURNAL FLUCTUATION; GTP Cyclohydrolase 1-Deficient Dopa-Responsive Dystonia; Dystonia, DOPA-responsive, with or without hyperphenylalaninemia; DYT-GCH1. Identifiers: Orphanet 98808, MedGen C1851920, MONDO:0007495, OMIM 128230.
GTP cyclohydrolase I deficiency. Identifiers: MedGen C0268467, MONDO:0100184.

Allele frequency attached by ClinVar (database versions not stated): gnomAD exomes below 0.00001 and 0.00001; gnomAD 0.00002; TOPMed 0.00002.
gnomAD v4.1: 12 of 1,613,914 alleles (0.00074%); highest among the groups gnomAD compares: African/African-American, 0.0027%; no homozygotes.

Submissions (2):

Labcorp Genetics (formerly Invitae), Labcorp
Classification: Uncertain significance for GTP cyclohydrolase I deficiency; Dystonia 5. Last evaluated: 2025-10-10. Review status: criteria provided, single submitter. Criteria: Invitae Variant Classification Sherloc (09022015). Collection method: clinical testing. Allele origin: germline.
Comment: This sequence change replaces threonine, which is neutral and polar, with isoleucine, which is neutral and non-polar, at codon 246 of the GCH1 protein (p.Thr246Ile). This variant is present in population databases (no rsID available, gnomAD 0.003%). This variant has not been reported in the literature in individuals affected with GCH1-related conditions. ClinVar contains an entry for this variant (Variation ID: 1392022). Invitae Evidence Modeling of protein sequence and biophysical properties (such as structural, functional, and spatial information, amino acid conservation, physicochemical variation, residue mobility, and thermodynamic stability) indicates that this missense variant is not expected to disrupt GCH1 protein function with a negative predictive value of 80%. In summary, the available evidence is currently insufficient to determine the role of this variant in disease. Therefore, it has been classified as a Variant of Uncertain Significance.

Victorian Clinical Genetics Services, Murdoch Childrens Research Institute
Classification: Uncertain significance for Dystonia 5. Last evaluated: 2022-09-02. Review status: criteria provided, single submitter. Criteria: ACMG Guidelines, 2015. Collection method: clinical testing. Allele origin: germline. Affected: yes.
Comment: Based on the classification scheme VCGS_Germline_v1.3.4, this variant is classified as VUS-3B. Following criteria are met: 0103 - Dominant negative and loss of function are known mechanisms of disease in this gene and are associated with dystonia, DOPA-responsive, with or without hyperphenylalaninaemia (MIM#128230) and hyperphenylalaninaemia, BH4-deficient, B (MIM#233910). Missense variants have been proven to have both a loss of function and dominant negative effect on protein function, causing both dominant and recessive forms of dystonia. Only loss of function variants have been reported for hyperphenylalaninaemia (PMID: 11026444, PMID: 17111153). (I) 0108 - This gene is associated with both recessive and dominant disease (OMIM, PMID: 33713342). (I) 0112 - The dominant dystonia condition associated with this gene has incomplete penetrance (PMID: 11359069). (I) 0115 - Variants in this gene are known to have variable expressivity (PMID: 33713342). (I) 0200 - Variant is predicted to result in a missense amino acid change from threonine to isoleucine. (I) 0251 - This variant is heterozygous. (I) 0304 - Variant is present in gnomAD (v3) <0.01 (3 heterozygotes, 0 homozygotes). (SP) 0502 - Missense variant with conflicting in silico predictions and uninformative conservation. (I) 0600 - Variant is located in the annotated GTP cyclohydrolase I domain (DECIPHER). (I) 0705 - No comparable missense variants have previous evidence for pathogenicity. (I) 0809 - Previous evidence of pathogenicity for this variant is inconclusive. This variant has been reported as a VUS (ClinVar). (I) 0905 - No published segregation evidence has been identified for this variant. (I) 1007 - No published functional evidence has been identified for this variant. (I) 1208 - Inheritance information for this variant is not currently available in this individual. (I) Legend: (SP) - Supporting pathogenic, (I) - Information, (SB) - Supporting benign

Literature cited by the submitters: PubMed 11026444 (cited by Victorian Clinical Genetics Services, Murdoch Childrens Research Institute); PubMed 11359069 (cited by Victorian Clinical Genetics Services, Murdoch Childrens Research Institute); PubMed 17111153 (cited by Victorian Clinical Genetics Services, Murdoch Childrens Research Institute); PubMed 33713342 (cited by Victorian Clinical Genetics Services, Murdoch Childrens Research Institute).